The following is an entry in ClinVar:

ClinVar aggregate classification (germline): Uncertain significance (1 of 4 stars; one submission).

Conditions:
Hereditary pancreatitis (PCTT). Also called: Hereditary chronic pancreatitis; PRSS1-Related Hereditary Pancreatitis. Identifiers: Orphanet 676, MedGen C0238339, MONDO:0008185, OMIM 167800.

Submission:

Ambry Genetics
Classification: Uncertain significance for Hereditary pancreatitis. Last evaluated: 2022-11-20. Review status: criteria provided, single submitter. Criteria: Ambry Variant Classification Scheme 2023. Collection method: clinical testing. Allele origin: germline.
Comment: The p.E82Q variant (also known as c.244G>C), located in coding exon 3 of the PRSS1 gene, results from a G to C substitution at nucleotide position 244. The glutamic acid at codon 82 is replaced by glutamine, an amino acid with highly similar properties. This amino acid position is conserved. In addition, the in silico prediction for this alteration is inconclusive. Since supporting evidence is limited at this time, the clinical significance of this alteration remains unclear.

NM_002769.5(PRSS1):c.244G>C (p.Glu82Gln)

Genes: PRSS1 (serine protease 1; plus strand), TRB (T cell receptor beta locus; plus strand). Cytogenetic location: 7q34.
Variant type: single nucleotide variant.
Coding change: c.244G>C on transcript NM_002769.5 (MANE Select); coding-DNA position 244, G replaced by C.
Protein change: p.Glu82Gln; replaces glutamic acid 82 with glutamine.
Molecular consequence: missense variant. On other transcripts: non-coding transcript variant (2).
Genome position (GRCh38, 1-based): chr7:142,751,817, G>C. VCF-style: chr7-142751817-G-C. GRCh37 (hg19) VCF-style: chr7-142459668-G-C.
Other names: short protein forms E82Q.
Identifiers: ClinVar variation 2448221 (VCV002448221.2), dbSNP rs2485752687, ClinGen allele CA369608495.